The following is an entry in ClinVar:

ClinVar aggregate classification (germline): Uncertain significance. Review status: criteria provided, multiple submitters, no conflicts (2 of 4 stars). 8 submissions from 7 submitters: Uncertain significance (6). 2 of the submissions do not count toward it. Last evaluated 2025-04-14.

Conditions:
Inborn genetic diseases. Identifiers: MedGen C0950123, MeSH D030342.
Muscular dystrophy-dystroglycanopathy type B6 (MDDGB6). Also called: MUSCULAR DYSTROPHY, CONGENITAL, LARGE-RELATED; MUSCULAR DYSTROPHY, CONGENITAL, TYPE 1D; MUSCULAR DYSTROPHY-DYSTROGLYCANOPATHY (CONGENITAL WITH IMPAIRED INTELLECTUAL DEVELOPMENT), TYPE B, 6. Identifiers: MedGen C1837229, MONDO:0012138, OMIM 608840.
Muscular dystrophy-dystroglycanopathy (congenital with brain and eye anomalies), type A6. Also called: WALKER-WARBURG SYNDROME OR MUSCLE-EYE-BRAIN DISEASE, LARGE-RELATED; MUSCULAR DYSTROPHY-DYSTROGLYCANOPATHY (CONGENITAL WITH BRAIN AND EYE ANOMALIES), TYPE A, 6. Identifiers: Orphanet 588, Orphanet 899, MedGen C3150414, MONDO:0013158, OMIM 613154.

Allele frequency attached by ClinVar (database versions not stated): ExAC 0.00020; gnomAD exomes 0.00021; TOPMed 0.00025; gnomAD 0.00025; ESP Exome Variant Server 0.00031.
gnomAD v4.1: 975 of 1,604,990 alleles (0.061%); highest among the groups gnomAD compares: Non-Finnish European, 0.079%; 2 homozygotes.

Submissions (8):

GeneDx
Classification: Uncertain significance. Last evaluated: 2025-04-14. Review status: criteria provided, single submitter. Criteria: GeneDx Variant Classification Process June 2021. Collection method: clinical testing. Allele origin: germline.
Comment: In silico analysis supports that this missense variant has a deleterious effect on protein structure/function; Has not been previously published as pathogenic or benign to our knowledge; This variant is associated with the following publications: (PMID: 24709677, 25279699)

Revvity Omics, Revvity
Classification: Uncertain significance. Last evaluated: 2024-10-07. Review status: criteria provided, single submitter. Criteria: ACMG Guidelines, 2015. Collection method: clinical testing. Allele origin: germline.

Labcorp Genetics (formerly Invitae), Labcorp
Classification: Uncertain significance for Muscular dystrophy-dystroglycanopathy type B6. Last evaluated: 2022-08-09. Review status: criteria provided, single submitter. Criteria: Invitae Variant Classification Sherloc (09022015). Collection method: clinical testing. Allele origin: germline.
Comment: This sequence change replaces arginine, which is basic and polar, with tryptophan, which is neutral and slightly polar, at codon 60 of the LARGE1 protein (p.Arg60Trp). This variant is present in population databases (rs142135345, gnomAD 0.04%). This variant has not been reported in the literature in individuals affected with LARGE1-related conditions. ClinVar contains an entry for this variant (Variation ID: 341437). Algorithms developed to predict the effect of missense changes on protein structure and function are either unavailable or do not agree on the potential impact of this missense change (SIFT: "Deleterious"; PolyPhen-2: "Benign"; Align-GVGD: "Class C0"). In summary, the available evidence is currently insufficient to determine the role of this variant in disease. Therefore, it has been classified as a Variant of Uncertain Significance.

Ambry Genetics
Classification: Uncertain significance for Inborn genetic diseases. Last evaluated: 2022-07-08. Review status: criteria provided, single submitter. Criteria: Ambry Variant Classification Scheme 2023. Collection method: clinical testing. Allele origin: germline.

Illumina Laboratory Services, Illumina
Classification: Uncertain significance for Muscular dystrophy-dystroglycanopathy type B6. Last evaluated: 2018-01-13. Review status: criteria provided, single submitter. Criteria: ICSL Variant Classification Criteria 13 December 2019. Collection method: clinical testing. Allele origin: germline.

Illumina Laboratory Services, Illumina
Classification: Uncertain significance for Muscular dystrophy-dystroglycanopathy (congenital with brain and eye anomalies), type A6. Last evaluated: 2018-01-13. Review status: criteria provided, single submitter. Criteria: ICSL Variant Classification Criteria 13 December 2019. Collection method: clinical testing. Allele origin: germline.

Clinical Genetics DNA and cytogenetics Diagnostics Lab, Erasmus MC, Erasmus Medical Center
Classification: Uncertain significance. Review status: no assertion criteria provided. Collection method: clinical testing. Allele origin: germline. Affected: yes. Study: VKGL Data-share Consensus. Not counted in ClinVar's aggregate classification.

Genome Diagnostics Laboratory, Amsterdam University Medical Center
Classification: Uncertain significance. Review status: no assertion criteria provided. Collection method: clinical testing. Allele origin: germline. Affected: yes. Study: VKGL Data-share Consensus. Not counted in ClinVar's aggregate classification.

NM_133642.5(LARGE1):c.178C>T (p.Arg60Trp)

Gene: LARGE1 (LARGE xylosyl- and glucuronyltransferase 1; minus strand). Cytogenetic location: 22q12.3.
Variant type: single nucleotide variant.
Coding change: c.178C>T on transcript NM_133642.5 (MANE Select); coding-DNA position 178, C replaced by T.
Protein change: p.Arg60Trp; replaces arginine 60 with tryptophan.
Molecular consequence: missense variant.
Genome position (GRCh38, 1-based): chr22:33,650,597, G>A on the plus strand (C>T on the coding strand, the complement: LARGE1 is on the minus strand). VCF-style: chr22-33650597-G-A. GRCh37 (hg19) VCF-style: chr22-34046583-G-A.
Other names: c.178C>T (NM_004737.6); c.178C>T, p.Arg60Trp (NM_001362949.2, NM_001362951.2, NM_001362953.2 and 7 more transcripts); short protein forms R60W.
Identifiers: ClinVar variation 341437 (VCV000341437.16), dbSNP rs142135345, ClinGen allele CA10203135.